The following is an entry in ClinVar:

NM_006343.3(MERTK):c.86C>G (p.Ala29Gly)

Gene: MERTK (MER proto-oncogene, tyrosine kinase; plus strand). Cytogenetic location: 2q13.
Variant type: single nucleotide variant.
Coding change: c.86C>G on transcript NM_006343.3 (MANE Select); coding-DNA position 86, C replaced by G.
Protein change: p.Ala29Gly; replaces alanine 29 with glycine.
Molecular consequence: missense variant.
Genome position (GRCh38, 1-based): chr2:111,929,144, C>G. VCF-style: chr2-111929144-C-G. GRCh37 (hg19) VCF-style: chr2-112686721-C-G.
Other names: c.86C>G (NM_006343.2); short protein forms A29G.
Identifiers: ClinVar variation 1490779 (VCV001490779.7), dbSNP rs1206954845, ClinGen allele CA348225895.
Genomic context (GRCh38, chr2:111,929,144, plus strand): 5'-TTTAAAAGGCTAAAATTTGGATGTTCTGTTTTACAGCTATCACTGAGGCAAGGGAAGAAG[C>G]CAAGCCTTACCCGCTATTCCCGGGACCTTTTCCAGGGAGCCTGCAAACTGACCACACACC-3'
Protein context (NP_006334.2, residues 19-39): RRAITEAREE[Ala29Gly]KPYPLFPGPF

ClinVar aggregate classification (germline): Uncertain significance. Review status: criteria provided, multiple submitters, no conflicts (2 of 4 stars). 2 submissions from 2 submitters: Uncertain significance (2). Last evaluated 2023-11-13.

Conditions:
Inborn genetic diseases. Identifiers: MedGen C0950123, MeSH D030342.

Allele frequency attached by ClinVar (database versions not stated): gnomAD exomes below 0.00001; gnomAD 0.00001; TOPMed 0.00001.
gnomAD v4.1: 9 of 1,614,054 alleles (0.00056%); highest among the groups gnomAD compares: African/African-American, 0.0013%; no homozygotes.

Submissions (2):

Labcorp Genetics (formerly Invitae), Labcorp
Classification: Uncertain significance. Last evaluated: 2023-11-13. Review status: criteria provided, single submitter. Criteria: Invitae Variant Classification Sherloc (09022015). Collection method: clinical testing. Allele origin: germline.
Comment: This sequence change replaces alanine, which is neutral and non-polar, with glycine, which is neutral and non-polar, at codon 29 of the MERTK protein (p.Ala29Gly). This variant is not present in population databases (gnomAD no frequency). This variant has not been reported in the literature in individuals affected with MERTK-related conditions. ClinVar contains an entry for this variant (Variation ID: 1490779). Algorithms developed to predict the effect of missense changes on protein structure and function output the following: SIFT: "Not Available"; PolyPhen-2: "Benign"; Align-GVGD: "Not Available". The glycine amino acid residue is found in multiple mammalian species, which suggests that this missense change does not adversely affect protein function. In summary, the available evidence is currently insufficient to determine the role of this variant in disease. Therefore, it has been classified as a Variant of Uncertain Significance.

Ambry Genetics
Classification: Uncertain significance for Inborn genetic diseases. Last evaluated: 2022-08-17. Review status: criteria provided, single submitter. Criteria: Ambry Variant Classification Scheme 2023. Collection method: clinical testing. Allele origin: germline.